The following is an entry in ClinVar:

NM_001040142.2(SCN2A):c.3410C>G (p.Ala1137Gly)

Gene: SCN2A (sodium voltage-gated channel alpha subunit 2; plus strand). Cytogenetic location: 2q24.3.
Variant type: single nucleotide variant.
Coding change: c.3410C>G on transcript NM_001040142.2 (MANE Select); coding-DNA position 3410, C replaced by G.
Protein change: p.Ala1137Gly; replaces alanine 1137 with glycine.
Molecular consequence: missense variant.
Genome position (GRCh38, 1-based): chr2:165,365,153, C>G. VCF-style: chr2-165365153-C-G. GRCh37 (hg19) VCF-style: chr2-166221663-C-G.
Other names: c.3410C>G, p.Ala1137Gly (NM_001040143.2, NM_001371246.1, NM_001371247.1 and 1 more transcripts); short protein forms A1137G.
Identifiers: ClinVar variation 3753665 (VCV003753665.2).

ClinVar aggregate classification (germline): Uncertain significance (1 of 4 stars; one submission).

Conditions:
Developmental and epileptic encephalopathy, 11 (DEE11). Also called: Early infantile epileptic encephalopathy 11. Identifiers: Orphanet 1934, MedGen C3150987, MONDO:0013388, OMIM 613721.
Seizures, benign familial infantile, 3 (BFIS3). Also called: CONVULSIONS, BENIGN FAMILIAL INFANTILE, 3; Familial neonatal seizures. Identifiers: Orphanet 140927, Orphanet 306, MedGen C1843140, MONDO:0011904, OMIM 607745.

Submission:

Labcorp Genetics (formerly Invitae), Labcorp
Classification: Uncertain significance for Seizures, benign familial infantile, 3; Developmental and epileptic encephalopathy, 11. Last evaluated: 2024-06-26. Review status: criteria provided, single submitter. Criteria: Invitae Variant Classification Sherloc (09022015). Collection method: clinical testing. Allele origin: germline.
Comment: This sequence change replaces alanine, which is neutral and non-polar, with glycine, which is neutral and non-polar, at codon 1137 of the SCN2A protein (p.Ala1137Gly). This variant is not present in population databases (gnomAD no frequency). This variant has not been reported in the literature in individuals affected with SCN2A-related conditions. Advanced modeling of protein sequence and biophysical properties (such as structural, functional, and spatial information, amino acid conservation, physicochemical variation, residue mobility, and thermodynamic stability) performed at Invitae indicates that this missense variant is not expected to disrupt SCN2A protein function with a negative predictive value of 95%. In summary, the available evidence is currently insufficient to determine the role of this variant in disease. Therefore, it has been classified as a Variant of Uncertain Significance.